The following is an entry in ClinVar:

ClinVar aggregate classification (germline): Likely benign (1 of 4 stars; one submission).

gnomAD v4.1: 4 of 1,614,114 alleles (0.00025%); highest among the groups gnomAD compares: South Asian, 0.0022%; no homozygotes.

Submission:

GeneDx
Classification: Likely benign. Last evaluated: 2016-02-08. Review status: criteria provided, single submitter. Criteria: GeneDx Variant Classification (06012015). Collection method: clinical testing. Allele origin: germline. Affected: yes.
Comment: This variant is considered likely benign or benign based on one or more of the following criteria: it is a conservative change, it occurs at a poorly conserved position in the protein, it is predicted to be benign by multiple in silico algorithms, and/or has population frequency not consistent with disease.

NM_001347721.2(DYRK1A):c.1971G>C (p.Ser657=)

Gene: DYRK1A (dual specificity tyrosine phosphorylation regulated kinase 1A; plus strand). Cytogenetic location: 21q22.13.
Variant type: single nucleotide variant.
Coding change: c.1971G>C on transcript NM_001347721.2 (MANE Select); coding-DNA position 1971, G replaced by C.
Protein change: p.Ser657=; no amino-acid change (serine 657 retained).
Molecular consequence: synonymous variant. On other transcripts: 3 prime UTR variant (2).
Genome position (GRCh38, 1-based): chr21:37,512,237, G>C. VCF-style: chr21-37512237-G-C. GRCh37 (hg19) VCF-style: chr21-38884540-G-C.
Other names: c.1971G>C, p.Ser657= (NM_001347722.2, NM_130436.2); c.1884G>C, p.Ser628= (NM_001347723.2); c.1998G>C, p.Ser666= (NM_001396.5); c.*374G>C (NM_101395.2); c.*283G>C (NM_130438.2).
Identifiers: ClinVar variation 383331 (VCV000383331.1), dbSNP rs755724183, ClinGen allele CA10024143.